The following is an entry in ClinVar:

ClinVar aggregate classification (germline): Pathogenic (1 of 4 stars; one submission).

Conditions:
Cardiovascular phenotype. Identifiers: MedGen CN230736.
Hereditary cancer-predisposing syndrome. Also called: Neoplastic Syndromes, Hereditary; Tumor predisposition; Hereditary Cancer Syndrome; Hereditary neoplastic syndrome. Identifiers: Orphanet 140162, MedGen C0027672, MeSH D009386, MONDO:0015356.

Submission:

Ambry Genetics
Classification: Pathogenic for Cardiovascular phenotype; Hereditary cancer-predisposing syndrome. Last evaluated: 2025-10-04. Review status: criteria provided, single submitter. Criteria: Ambry Variant Classification Scheme 2023. Collection method: clinical testing. Allele origin: germline.
Comment: The p.L971* pathogenic mutation (also known as c.2912T>A), located in coding exon 22 of the NF1 gene, results from a T to A substitution at nucleotide position 2912. This changes the amino acid from a leucine to a stop codon within coding exon 22. This variant is considered to be rare based on population cohorts in the Genome Aggregation Database (gnomAD). This alteration is expected to result in loss of function by premature protein truncation or nonsense-mediated mRNA decay. As such, this alteration is interpreted as a disease-causing mutation.

NM_001042492.3(NF1):c.2912T>A (p.Leu971Ter)

Gene: NF1 (neurofibromin 1; plus strand). Cytogenetic location: 17q11.2.
Variant type: single nucleotide variant.
Coding change: c.2912T>A on transcript NM_001042492.3 (MANE Select); coding-DNA position 2912, T replaced by A.
Protein change: p.Leu971Ter; replaces leucine 971 with a stop codon.
Molecular consequence: nonsense.
Genome position (GRCh38, 1-based): chr17:31,229,896, T>A. VCF-style: chr17-31229896-T-A. GRCh37 (hg19) VCF-style: chr17-29556914-T-A.
Other names: c.2912T>A, p.Leu971Ter (NM_000267.4); short protein forms L971*.
Identifiers: ClinVar variation 4615732 (VCV004615732.1).